The following is an entry in ClinVar:

ClinVar aggregate classification (germline): Uncertain significance (1 of 4 stars; one submission).

Submission:

Labcorp Genetics (formerly Invitae), Labcorp
Classification: Uncertain significance. Last evaluated: 2022-08-24. Review status: criteria provided, single submitter. Criteria: Invitae Variant Classification Sherloc (09022015). Collection method: clinical testing. Allele origin: germline.
Comment: Algorithms developed to predict the effect of missense changes on protein structure and function are either unavailable or do not agree on the potential impact of this missense change (SIFT: "Deleterious"; PolyPhen-2: "Possibly Damaging"; Align-GVGD: "Class C0"). In summary, the available evidence is currently insufficient to determine the role of this variant in disease. Therefore, it has been classified as a Variant of Uncertain Significance. This variant has not been reported in the literature in individuals affected with IRF2BP2-related conditions. This sequence change replaces leucine, which is neutral and non-polar, with valine, which is neutral and non-polar, at codon 21 of the IRF2BP2 protein (p.Leu21Val). This variant is present in population databases (rs777727819, gnomAD 0.004%).

NM_182972.3(IRF2BP2):c.61C>G (p.Leu21Val)

Gene: IRF2BP2 (interferon regulatory factor 2 binding protein 2; minus strand). Cytogenetic location: 1q42.3.
Variant type: single nucleotide variant.
Coding change: c.61C>G on transcript NM_182972.3 (MANE Select); coding-DNA position 61, C replaced by G.
Protein change: p.Leu21Val; replaces leucine 21 with valine.
Molecular consequence: missense variant.
Genome position (GRCh38, 1-based): chr1:234,609,434, G>C on the plus strand (C>G on the coding strand, the complement: IRF2BP2 is on the minus strand). VCF-style: chr1-234609434-G-C. GRCh37 (hg19) VCF-style: chr1-234745180-G-C.
Other names: c.61C>G, p.Leu21Val (NM_001077397.1); short protein forms L21V.
Identifiers: ClinVar variation 1715793 (VCV001715793.5), dbSNP rs777727819, ClinGen allele CA1461906.